The following is an entry in ClinVar:

NM_153252.5(BRWD3):c.952G>A (p.Gly318Arg)

Gene: BRWD3 (bromodomain and WD repeat domain containing 3; minus strand). Cytogenetic location: Xq21.1.
Variant type: single nucleotide variant.
Coding change: c.952G>A on transcript NM_153252.5 (MANE Select); coding-DNA position 952, G replaced by A.
Protein change: p.Gly318Arg; replaces glycine 318 with arginine.
Molecular consequence: missense variant.
Genome position (GRCh38, 1-based): chrX:80,735,160, C>T on the plus strand (G>A on the coding strand, the complement: BRWD3 is on the minus strand). VCF-style: chrX-80735160-C-T. GRCh37 (hg19) VCF-style: chrX-79990659-C-T.
Other names: short protein forms G318R.
Identifiers: ClinVar variation 3572622 (VCV003572622.1).
Genomic context (GRCh38, chrX:80,735,160, plus strand): 5'-CTCAAAACATTCCAGTTTTACACATACCAGAACTGAAAGATGAACAAGATATCTGGACTC[C>T]AGGTCTGGATCTCTCAGTAAATTTCACCGGGCGATCTCTAAAGATAAAAATAAGGTGTTT-3'
Protein context (NP_694984.5, residues 308-328): PVKFTERSRP[Gly318Arg]VQISCSSFSS

ClinVar aggregate classification (germline): Uncertain significance (1 of 4 stars; one submission).

Submission:

GeneDx
Classification: Uncertain significance. Last evaluated: 2024-07-11. Review status: criteria provided, single submitter. Criteria: GeneDx Variant Classification Process June 2021. Collection method: clinical testing. Allele origin: germline. Affected: yes.
Comment: Not observed at significant frequency in large population cohorts (gnomAD); In silico analysis supports that this missense variant has a deleterious effect on protein structure/function; Has not been previously published as pathogenic or benign to our knowledge